The following is an entry in ClinVar:

NM_005359.6(SMAD4):c.1215C>T (p.His405=)

Gene: SMAD4 (SMAD family member 4; plus strand). Cytogenetic location: 18q21.2.
Variant type: single nucleotide variant.
Coding change: c.1215C>T on transcript NM_005359.6 (MANE Select); coding-DNA position 1215, C replaced by T.
Protein change: p.His405=; no amino-acid change (histidine 405 retained).
Molecular consequence: synonymous variant.
Genome position (GRCh38, 1-based): chr18:51,067,094, C>T. VCF-style: chr18-51067094-C-T. GRCh37 (hg19) VCF-style: chr18-48593464-C-T.
Identifiers: ClinVar variation 240144 (VCV000240144.27), dbSNP rs751732234, ClinGen allele CA8966023.
Genomic context (GRCh38, chr18:51,067,094, plus strand): 5'-AGGTGTGCAGTTGGAATGTAAAGGTGAAGGTGATGTTTGGGTCAGGTGCCTTAGTGACCA[C>T]GCGGTCTTTGTACAGAGTTACTACTTAGACAGAGAAGCTGGGCGTGCACCTGGAGATGCT-3'
Protein context (NP_005350.1, residues 395-415): GDVWVRCLSD[His405=]AVFVQSYYLD

ClinVar aggregate classification (germline): Benign/Likely benign. Review status: criteria provided, multiple submitters, no conflicts (2 of 4 stars). 10 submissions from 10 submitters: Benign (2); Likely benign (7). 1 of the submissions does not count toward it. Last evaluated 2025-12-06.

Conditions:
Familial thoracic aortic aneurysm and aortic dissection (TAAD). Also called: Thoracic aortic aneurysms and dissections. Identifiers: Orphanet 91387, MedGen C4707243, MONDO:0019625.
Hereditary cancer-predisposing syndrome. Also called: Hereditary Cancer Syndrome; Tumor predisposition; Hereditary neoplastic syndrome; Neoplastic Syndromes, Hereditary. Identifiers: Orphanet 140162, MedGen C0027672, MeSH D009386, MONDO:0015356.
Juvenile polyposis syndrome (JPS). Identifiers: Orphanet 2929, MedGen C0345893, MONDO:0017380, OMIM 174900.
Juvenile polyposis/hereditary hemorrhagic telangiectasia syndrome (JPHT). Also called: Juvenile Polyposis Syndrome / Hereditary Hemorrhagic Telangiectasia (JPS/HHT); JP/HHT SYNDROME; JUVENILE POLYPOSIS WITH HEREDITARY HEMORRHAGIC TELANGIECTASIA; POLYPOSIS, GENERALIZED JUVENILE, WITH PULMONARY ARTERIOVENOUS MALFORMATION; TELANGIECTASIA, HEREDITARY HEMORRHAGIC, WITH JUVENILE POLYPOSIS COLI. Identifiers: Orphanet 2929, MedGen C1832942, MONDO:0008278, OMIM 175050.
Malignant tumor of breast. Also called: Malignant breast neoplasm; Cancer breast. Identifiers: MedGen C0006142, MONDO:0007254. Disease mechanism: loss of function.

Allele frequency attached by ClinVar (database versions not stated): gnomAD 0.00003; gnomAD exomes 0.00003; TOPMed 0.00003; ExAC 0.00004.
gnomAD v4.1: 41 of 1,611,820 alleles (0.0025%); highest among the groups gnomAD compares: Middle Eastern, 0.016%; no homozygotes.

Submissions (10):

Labcorp Genetics (formerly Invitae), Labcorp
Classification: Likely benign for Juvenile polyposis syndrome. Last evaluated: 2025-12-06. Review status: criteria provided, single submitter. Criteria: Invitae Variant Classification Sherloc (09022015). Collection method: clinical testing. Allele origin: germline.

Myriad Genetics, Inc.
Classification: Benign for Juvenile polyposis/hereditary hemorrhagic telangiectasia syndrome. Last evaluated: 2025-03-21. Review status: criteria provided, single submitter. Criteria: Myriad Autosomal Dominant, Autosomal Recessive and X-Linked Classification Criteria (2023). Collection method: clinical testing. Allele origin: unknown.
Comment: This variant is considered benign. This variant is a silent/synonymous amino acid change and it is not expected to impact splicing.

Center for Genomic Medicine, Rigshospitalet, Copenhagen University Hospital
Classification: Likely benign. Last evaluated: 2025-03-04. Review status: criteria provided, single submitter. Criteria: ACMG Guidelines, 2015. Collection method: clinical testing. Allele origin: germline.

All of Us Research Program, National Institutes of Health
Classification: Likely benign for Juvenile polyposis/hereditary hemorrhagic telangiectasia syndrome. Last evaluated: 2024-05-09. Review status: criteria provided, single submitter. Criteria: ACMG Guidelines, 2015. Collection method: clinical testing. Allele origin: germline. Inheritance: Autosomal dominant inheritance. Observed: 5 variant alleles, 5 heterozygotes.
Comment: This study involves interpretation of variants in research participants for the purpose of population health screening. Participant phenotype was not available at the time of variant classification. Additional details can be found in publication PMID: 35346344, PMCID: PMC8962531

Blueprint Genetics
Classification: Likely benign. Last evaluated: 2023-05-03. Review status: criteria provided, single submitter. Criteria: ACMG Guidelines, 2015. Collection method: clinical testing. Allele origin: germline.

Sema4
Classification: Likely benign for Hereditary cancer-predisposing syndrome. Last evaluated: 2021-09-22. Review status: criteria provided, single submitter. Criteria: Sema4 Curation Guidelines. Collection method: curation. Allele origin: germline.

Quest Diagnostics Nichols Institute San Juan Capistrano
Classification: Benign. Last evaluated: 2021-06-06. Review status: criteria provided, single submitter. Criteria: Quest Diagnostics criteria. Collection method: clinical testing. Allele origin: unknown.

Color Diagnostics, LLC DBA Color Health
Classification: Likely benign for Hereditary cancer-predisposing syndrome. Last evaluated: 2016-03-17. Review status: criteria provided, single submitter. Criteria: ACMG Guidelines, 2015. Collection method: clinical testing. Allele origin: germline.

Ambry Genetics
Classification: Likely benign for Hereditary cancer-predisposing syndrome; Familial thoracic aortic aneurysm and aortic dissection. Last evaluated: 2015-10-14. Review status: criteria provided, single submitter. Criteria: Ambry Variant Classification Scheme 2023. Collection method: clinical testing. Allele origin: germline.

Department of Pathology and Laboratory Medicine, Sinai Health System
Classification: Likely benign for Malignant tumor of breast. Review status: no assertion criteria provided. Collection method: clinical testing. Allele origin: unknown. Affected: yes. Study: The Canadian Open Genetics Repository (COGR). Not counted in ClinVar's aggregate classification.
Comment: The SMAD4 p.His405= variant was identified in 1 of 326 proband chromosomes (frequency: 0.003) from circulating tumour DNA in an individual with pancreatic cancer (Kukita 2018). The variant was identified in dbSNP (rs751732234) as â€šÃ„Ãºwith likely benign alleleâ€šÃ„Ã¹ and ClinVar (classified as likely benign by Invitae, Ambry Genetics and Color). The variant was not identified in LOVD 3.0. The variant was identified in control databases in 8 of 282,856 chromosomes at a frequency of 0.00003 (Genome Aggregation Database Feb 27, 2017). The variant was observed in the following populations: East Asian in 3 of 19,948 chromosomes (freq: 0.0002), South Asian in 3 of 30,616 chromosomes (freq: 0.0001), African in 1 of 24,966 chromosomes (freq: 0.00004), and European in 1 of 129,178 chromosomes (freq: 0.000008), while it was not observed in the Latino, Ashkenazi Jewish, Finnish or Other populations. The p.His405= variant is not expected to have clinical significance because it does not result in a change of amino acid and is not located in a known consensus splice site. The variant occurs at a non-highly conserved nucleotide outside of the splicing consensus sequence and in silico or computational prediction software programs (SpliceSiteFinder, MaxEntScan, NNSPLICE, GeneSplicer) do not predict a difference in splicing. In summary, based on the above information, the clinical significance of this variant cannot be determined with certainty at this time although we would lean towards a more benign role for this variant. This variant is classified as likely benign.